The following is an entry in ClinVar:

NM_004525.3(LRP2):c.8372G>A (p.Arg2791Lys)

Gene: LRP2 (LDL receptor related protein 2; minus strand). Cytogenetic location: 2q31.1.
Variant type: single nucleotide variant.
Coding change: c.8372G>A on transcript NM_004525.3 (MANE Select); coding-DNA position 8372, G replaced by A.
Protein change: p.Arg2791Lys; replaces arginine 2791 with lysine.
Molecular consequence: missense variant.
Genome position (GRCh38, 1-based): chr2:169,201,708, C>T on the plus strand (G>A on the coding strand, the complement: LRP2 is on the minus strand). VCF-style: chr2-169201708-C-T. GRCh37 (hg19) VCF-style: chr2-170058218-C-T.
Other names: short protein forms R2791K.
Identifiers: ClinVar variation 1402144 (VCV001402144.5), dbSNP rs139266058, ClinGen allele CA1953880.

ClinVar aggregate classification (germline): Uncertain significance. Review status: criteria provided, multiple submitters, no conflicts (2 of 4 stars). 3 submissions from 3 submitters: Uncertain significance (3). Last evaluated 2024-04-09.

Conditions:
Donnai-Barrow syndrome. Also called: DBS/FOAR SYNDROME; FACIOOCULOACOUSTICORENAL SYNDROME. Identifiers: Orphanet 2143, MedGen C1857277, MONDO:0009104, OMIM 222448.

Allele frequency attached by ClinVar (database versions not stated): gnomAD 0.00001 and 0.00002; ExAC 0.00002; gnomAD exomes 0.00002 and 0.00004; TOPMed 0.00003; 1000 Genomes Project 30x 0.00016; 1000 Genomes Project 0.00020.
gnomAD v4.1: 55 of 1,614,198 alleles (0.0034%); highest among the groups gnomAD compares: Non-Finnish European, 0.0045%; no homozygotes.

Submissions (3):

Fulgent Genetics
Classification: Uncertain significance for Donnai-Barrow syndrome. Last evaluated: 2024-04-09. Review status: criteria provided, single submitter. Criteria: ACMG Guidelines, 2015. Collection method: clinical testing. Allele origin: germline.

Women's Health and Genetics/Laboratory Corporation of America, LabCorp
Classification: Uncertain significance. Last evaluated: 2022-06-30. Review status: criteria provided, single submitter. Criteria: LabCorp Variant Classification Summary - May 2015. Collection method: clinical testing. Allele origin: germline.
Comment: Variant summary: LRP2 c.8372G>A (p.Arg2791Lys) results in a conservative amino acid change in the encoded protein sequence. Three of five in-silico tools predict a damaging effect of the variant on protein function. The variant allele was found at a frequency of 1.6e-05 in 251364 control chromosomes (gnomAD). The available data on variant occurrences in the general population are insufficient to allow any conclusion about variant significance. To our knowledge, no occurrence of c.8372G>A in individuals affected with Donnai Barrow Syndrome and no experimental evidence demonstrating its impact on protein function have been reported. One clinical diagnostic laboratory has submitted clinical-significance assessments for this variant to ClinVar after 2014 without evidence for independent evaluation and classified the variant as uncertain significance. Based on the evidence outlined above, the variant was classified as uncertain significance.

Labcorp Genetics (formerly Invitae), Labcorp
Classification: Uncertain significance. Last evaluated: 2022-03-09. Review status: criteria provided, single submitter. Criteria: Invitae Variant Classification Sherloc (09022015). Collection method: clinical testing. Allele origin: germline.
Comment: This sequence change replaces arginine, which is basic and polar, with lysine, which is basic and polar, at codon 2791 of the LRP2 protein (p.Arg2791Lys). This variant is present in population databases (rs139266058, gnomAD 0.004%). This variant has not been reported in the literature in individuals affected with LRP2-related conditions. Advanced modeling of protein sequence and biophysical properties (such as structural, functional, and spatial information, amino acid conservation, physicochemical variation, residue mobility, and thermodynamic stability) performed at Invitae indicates that this missense variant is not expected to disrupt LRP2 protein function. Algorithms developed to predict the effect of sequence changes on RNA splicing suggest that this variant may create or strengthen a splice site. In summary, the available evidence is currently insufficient to determine the role of this variant in disease. Therefore, it has been classified as a Variant of Uncertain Significance.